The following is an entry in ClinVar:

ClinVar aggregate classification (germline): Uncertain significance. Review status: criteria provided, multiple submitters, no conflicts (2 of 4 stars). 4 submissions from 4 submitters: Uncertain significance (3). 1 of the submissions does not count toward it. Last evaluated 2025-05-15.

Conditions:
Inborn genetic diseases. Identifiers: MedGen C0950123, MeSH D030342.
TH-deficient dopa-responsive dystonia. Also called: DYT-TH; Tyrosine Hydroxylase-Deficient Dopa-Responsive Dystonia; Segawa syndrome, autosomal recessive. Identifiers: Orphanet 101150, MedGen C2673535, MONDO:0011551, OMIM 605407.

Allele frequency attached by ClinVar (database versions not stated): gnomAD 0.00005; gnomAD exomes 0.00002; ExAC 0.00002; TOPMed 0.00006.

Submissions (4):

Ambry Genetics
Classification: Uncertain significance for Inborn genetic diseases. Last evaluated: 2025-05-15. Review status: criteria provided, single submitter. Criteria: Ambry Variant Classification Scheme 2023. Collection method: clinical testing. Allele origin: germline.

Mayo Clinic Laboratories, Mayo Clinic
Classification: Uncertain significance. Last evaluated: 2025-02-27. Review status: criteria provided, single submitter. Criteria: ACMG Guidelines, 2015. Collection method: clinical testing. Allele origin: germline. Observed: 1 variant allele.

Labcorp Genetics (formerly Invitae), Labcorp
Classification: Uncertain significance for TH-deficient dopa-responsive dystonia. Last evaluated: 2022-01-14. Review status: criteria provided, single submitter. Criteria: Invitae Variant Classification Sherloc (09022015). Collection method: clinical testing. Allele origin: germline.
Comment: This sequence change replaces threonine, which is neutral and polar, with proline, which is neutral and non-polar, at codon 7 of the TH protein (p.Thr7Pro). This variant is present in population databases (rs768150949, gnomAD 0.004%). This variant has not been reported in the literature in individuals affected with TH-related conditions. ClinVar contains an entry for this variant (Variation ID: 412031). Advanced modeling of protein sequence and biophysical properties (such as structural, functional, and spatial information, amino acid conservation, physicochemical variation, residue mobility, and thermodynamic stability) performed at Invitae indicates that this missense variant is not expected to disrupt TH protein function. In summary, the available evidence is currently insufficient to determine the role of this variant in disease. Therefore, it has been classified as a Variant of Uncertain Significance.

Natera, Inc.
Classification: Uncertain significance for Autosomal recessive Segawa syndrome. Last evaluated: 2020-01-24. Review status: no assertion criteria provided. Collection method: clinical testing. Allele origin: germline. Not counted in ClinVar's aggregate classification.

NM_000360.4(TH):c.19A>C (p.Thr7Pro)

Gene: TH (tyrosine hydroxylase; minus strand). Cytogenetic location: 11p15.5.
Variant type: single nucleotide variant.
Coding change: c.19A>C on transcript NM_000360.4 (MANE Select); coding-DNA position 19, A replaced by C.
Protein change: p.Thr7Pro; replaces threonine 7 with proline.
Molecular consequence: missense variant.
Genome position (GRCh38, 1-based): chr11:2,171,768, T>G on the plus strand (A>C on the coding strand, the complement: TH is on the minus strand). VCF-style: chr11-2171768-T-G. GRCh37 (hg19) VCF-style: chr11-2192998-T-G.
Other names: p.Thr7Pro; c.19A>C, p.Thr7Pro (NM_199292.3, NM_199293.3); short protein forms T7P.
Identifiers: ClinVar variation 412031 (VCV000412031.7), dbSNP rs768150949, ClinGen allele CA5818889.